The following is an entry in ClinVar:

NC_000022.10:g.(?_50497819)_(50523856_?)dup

Gene: MLC1 (modulator of VRAC current 1; minus strand). Cytogenetic location: 22q13.33.
Variant type: Duplication.
Identifiers: ClinVar variation 4848642 (VCV004848642.1).

ClinVar aggregate classification (germline): Uncertain significance (1 of 4 stars; one submission).

Submission:

Women's Health and Genetics/Laboratory Corporation of America, LabCorp
Classification: Uncertain significance. Last evaluated: 2026-04-13. Review status: criteria provided, single submitter. Criteria: LabCorp Variant Classification Summary - May 2015. Collection method: clinical testing. Allele origin: germline.
Comment: Variant summary: The variant involves the duplication of exons 1-12 in the MLC1 gene. A presumed nomenclature of c.(?_-132)_(*2193_?)dup has been designated for the purposes of this classification. This duplication includes the entire coding sequence of the gene. As exact breakpoints are unknown, it may extend beyond the annotated region of the gene, to include other flanking genes. A duplication which encompasses the entire gene MLC1 gene was found at a frequency of 4.3e-06 in 462883 control chromosomes in the gnomAD database (CNVs v4.1 dataset). The available data on variant occurrences in the general population are insufficient to allow any conclusion about variant significance. To our knowledge, no occurrence of c.(?_-132)_(*2193_?)dup in individuals affected with MLC1-related conditions and no experimental evidence demonstrating its impact on protein function have been reported. No submitters have cited clinical-significance assessments for this variant to ClinVar. Based on the evidence outlined above, the variant was classified as uncertain significance.